The following is an entry in ClinVar:

NM_001848.3(COL6A1):c.1076G>A (p.Gly359Asp)

Gene: COL6A1 (collagen type VI alpha 1 chain; plus strand). Cytogenetic location: 21q22.3.
Variant type: single nucleotide variant.
Coding change: c.1076G>A on transcript NM_001848.3 (MANE Select); coding-DNA position 1076, G replaced by A.
Protein change: p.Gly359Asp; replaces glycine 359 with aspartic acid.
Molecular consequence: missense variant.
Genome position (GRCh38, 1-based): chr21:45,990,998, G>A. VCF-style: chr21-45990998-G-A. GRCh37 (hg19) VCF-style: chr21-47410912-G-A.
Other names: short protein forms G359D.
Identifiers: ClinVar variation 2440352 (VCV002440352.8), dbSNP rs2526326045, ClinGen allele CA410523624.

ClinVar aggregate classification (germline): Uncertain significance. Review status: criteria provided, multiple submitters, no conflicts (2 of 4 stars). 3 submissions from 3 submitters: Uncertain significance (3). Last evaluated 2026-03-16.

Conditions:
Bethlem myopathy 1A. Also called: MYOPATHY, BENIGN CONGENITAL, WITH CONTRACTURES; Bethlem myopathy 1; Bethlem Muscular Dystrophy. Identifiers: Orphanet 610, MedGen CN029274, MONDO:0024530, OMIM 158810.

Submissions (3):

Dasa
Classification: Uncertain significance. Last evaluated: 2026-03-16. Review status: criteria provided, single submitter. Criteria: DASA Assertion Criteria. Collection method: clinical testing. Allele origin: germline.
Comment: NM_001848.3(COL6A1):c.1076G>A (p.Gly359Asp) is a missense variant that results in the substitution of glycine with aspartic acid. The affected residue or protein region has prior evidence supporting clinical relevance. This variant is rare in population databases. The currently available literature and clinical evidence are not sufficient to establish a definitive association between this variant and the reported condition. Therefore, this variant is classified as a variant of uncertain significance.

Labcorp Genetics (formerly Invitae), Labcorp
Classification: Uncertain significance for Bethlem myopathy 1A. Last evaluated: 2023-11-13. Review status: criteria provided, single submitter. Criteria: Invitae Variant Classification Sherloc (09022015). Collection method: clinical testing. Allele origin: germline.
Comment: This sequence change replaces glycine, which is neutral and non-polar, with aspartic acid, which is acidic and polar, at codon 359 of the COL6A1 protein (p.Gly359Asp). This variant is not present in population databases (gnomAD no frequency). This missense change has been observed in individual(s) with clinical features of type VI collagenopathies (PMID: 27854213). ClinVar contains an entry for this variant (Variation ID: 2440352). Advanced modeling of protein sequence and biophysical properties (such as structural, functional, and spatial information, amino acid conservation, physicochemical variation, residue mobility, and thermodynamic stability) performed at Invitae indicates that this missense variant is expected to disrupt COL6A1 protein function with a positive predictive value of 95%. This variant disrupts the triple helix domain of COL6A1. Glycine residues within the Gly-Xaa-Yaa repeats of the triple helix domain are required for the structure and stability of fibrillar collagens (PMID: 7695699, 8218237, 19344236). In COL6A1, variants at these glycine residues are significantly enriched in individuals with autosomal dominant disease (PMID: 15689448, 24038877) compared to the general population (ExAC). In summary, the available evidence is currently insufficient to determine the role of this variant in disease. Therefore, it has been classified as a Variant of Uncertain Significance.

Revvity Omics, Revvity
Classification: Uncertain significance. Last evaluated: 2021-10-27. Review status: criteria provided, single submitter. Criteria: ACMG Guidelines, 2015. Collection method: clinical testing. Allele origin: germline.

Literature cited by the submitters: PubMed 27854213 (cited by Labcorp Genetics (formerly Invitae), Labcorp); PubMed 7695699 (cited by Labcorp Genetics (formerly Invitae), Labcorp); PubMed 8218237 (cited by Labcorp Genetics (formerly Invitae), Labcorp); PubMed 19344236 (cited by Labcorp Genetics (formerly Invitae), Labcorp); PubMed 15689448 (cited by Labcorp Genetics (formerly Invitae), Labcorp); PubMed 24038877 (cited by Labcorp Genetics (formerly Invitae), Labcorp).